The following is an entry in ClinVar:

NM_000292.3(PHKA2):c.3453G>C (p.Ser1151=)

Genes: PHKA2 (phosphorylase kinase regulatory subunit alpha 2; minus strand), PHKA2-AS1 (PHKA2 antisense RNA 1; plus strand). Cytogenetic location: Xp22.13.
Variant type: single nucleotide variant.
Coding change: c.3453G>C on transcript NM_000292.3 (MANE Select); coding-DNA position 3453, G replaced by C.
Protein change: p.Ser1151=; no amino-acid change (serine 1151 retained).
Molecular consequence: synonymous variant. On other transcripts: non-coding transcript variant (1).
Genome position (GRCh38, 1-based): chrX:18,894,288, C>G on the plus strand (G>C on the coding strand, the complement: PHKA2 is on the minus strand). VCF-style: chrX-18894288-C-G. GRCh37 (hg19) VCF-style: chrX-18912406-C-G.
Identifiers: ClinVar variation 2673218 (VCV002673218.24), dbSNP rs747924699, ClinGen allele CA515473364.
Genomic context (GRCh38, chrX:18,894,288, plus strand): 5'-GGCCATCTGCACGATCTGGTCCACGTGGATGATGCCCCCGATGCTGGTCATCTCCGTGTC[C>G]GAGAGCAGCGTCAGCACCATGATGGCTTCCACCAGCAGCTGCCGGTACTCGGGCTGCGGC-3'
Protein context (NP_000283.1, residues 1141-1161): VEAIMVLTLL[Ser1151=]DTEMTSIGGI

ClinVar aggregate classification (germline): Likely benign. Review status: criteria provided, multiple submitters, no conflicts (2 of 4 stars). 2 submissions from 2 submitters: Likely benign (2). Last evaluated 2026-01-06.

Conditions:
Glycogen storage disease IXa1. Also called: LIVER GLYCOGENOSIS, X-LINKED, TYPE I; GLYCOGEN STORAGE DISEASE VIII; GSD VIII; Glycogen storage disease 8. Identifiers: Orphanet 264580, MedGen C3694531, MONDO:0010598, OMIM 306000.

gnomAD v4.1: 2 of 1,211,263 alleles (0.00017%); highest among the groups gnomAD compares: Non-Finnish European, 0.00022%; no homozygotes.

Submissions (2):

Labcorp Genetics (formerly Invitae), Labcorp
Classification: Likely benign for Glycogen storage disease IXa1. Last evaluated: 2026-01-06. Review status: criteria provided, single submitter. Criteria: Invitae Variant Classification Sherloc (09022015). Collection method: clinical testing. Allele origin: germline.

CeGaT Center for Human Genetics Tuebingen
Classification: Likely benign. Last evaluated: 2023-11-01. Review status: criteria provided, single submitter. Criteria: CeGaT Center For Human Genetics Tuebingen Variant Classification Criteria Version 2. Collection method: clinical testing. Allele origin: germline. Affected: yes. Observed: 1 variant allele.
Comment: PHKA2: PM2:Supporting, BP4, BP7